The following is an entry in ClinVar:

NM_001164508.2(NEB):c.21245A>G (p.Asp7082Gly)

Gene: NEB (nebulin; minus strand). Cytogenetic location: 2q23.3.
Variant type: single nucleotide variant.
Coding change: c.21245A>G on transcript NM_001164508.2 (MANE Select); coding-DNA position 21245, A replaced by G.
Protein change: p.Asp7082Gly; replaces aspartic acid 7082 with glycine.
Molecular consequence: missense variant.
Genome position (GRCh38, 1-based): chr2:151,535,758, T>C on the plus strand (A>G on the coding strand, the complement: NEB is on the minus strand). VCF-style: chr2-151535758-T-C. GRCh37 (hg19) VCF-style: chr2-152392272-T-C.
Other names: c.21245A>G, p.Asp7082Gly (NM_001164507.2, NM_001271208.2); c.16142A>G, p.Asp5381Gly (NM_004543.5); short protein forms D5381G, D7082G.
Identifiers: ClinVar variation 1959699 (VCV001959699.2), dbSNP rs2552147192, ClinGen allele CA348773020.
Genomic context (GRCh38, chr2:151,535,758, plus strand): 5'-ATCAATTGAGTTGCATACTTGAAATGCCTATTGATCGGAGAGTCGGCAACATACTTGAAA[T>C]CTGACTTTGTCCTTTCAAATACTTCTTTATACTTATACTAGAAAAAACAGAACATGGTTA-3'
Protein context (NP_001157980.2, residues 7072-7092): YKEVFERTKS[Asp7082Gly]FKYVADSPIN

ClinVar aggregate classification (germline): Uncertain significance (1 of 4 stars; one submission).

Conditions:
Nemaline myopathy 2 (NEM2). Also called: Nemaline myopathy 2, autosomal recessive. Identifiers: MedGen C1850569, MONDO:0009725, OMIM 256030.

Submission:

Labcorp Genetics (formerly Invitae), Labcorp
Classification: Uncertain significance for Nemaline myopathy 2. Last evaluated: 2021-07-13. Review status: criteria provided, single submitter. Criteria: Invitae Variant Classification Sherloc (09022015). Collection method: clinical testing. Allele origin: germline.
Comment: This sequence change replaces aspartic acid with glycine at codon 7082 of the NEB protein (p.Asp7082Gly). The aspartic acid residue is weakly conserved and there is a moderate physicochemical difference between aspartic acid and glycine. This variant is not present in population databases (ExAC no frequency). This variant has not been reported in the literature in individuals affected with NEB-related conditions. Algorithms developed to predict the effect of missense changes on protein structure and function are either unavailable or do not agree on the potential impact of this missense change (SIFT: "Tolerated"; PolyPhen-2: "Not Available"; Align-GVGD: "Class C0"). In summary, the available evidence is currently insufficient to determine the role of this variant in disease. Therefore, it has been classified as a Variant of Uncertain Significance.